The following is an entry in ClinVar:

ClinVar aggregate classification (germline): Benign/Likely benign. Review status: criteria provided, multiple submitters, no conflicts (2 of 4 stars). 7 submissions from 7 submitters: Benign (6); Likely benign (1). Last evaluated 2026-09-01.

Conditions:
Spastic paraplegia. Identifiers: MedGen C0037772, HP:0001258.

Allele frequency attached by ClinVar (database versions not stated): ExAC 0.00749; gnomAD 0.00756 and 0.00744; gnomAD exomes 0.00990 and 0.00741; 1000 Genomes Project 0.00339; 1000 Genomes Project 30x 0.00375; TOPMed 0.00598; ESP Exome Variant Server 0.00654.
gnomAD v4.1: 15,520 of 1,614,208 alleles (0.96%); highest among the groups gnomAD compares: Non-Finnish European, 1.1%; 89 homozygotes.

Submissions (7):

CeGaT Center for Human Genetics Tuebingen
Classification: Benign. Last evaluated: 2026-09-01. Review status: criteria provided, single submitter. Criteria: CeGaT Center For Human Genetics Tuebingen Variant Classification Criteria Version 2. Collection method: clinical testing. Allele origin: germline. Affected: yes. Observed: 62 variant alleles.
Comment: B4GALNT1: BP4, BS1, BS2

Labcorp Genetics (formerly Invitae), Labcorp
Classification: Benign for Spastic paraplegia. Last evaluated: 2026-02-04. Review status: criteria provided, single submitter. Criteria: Invitae Variant Classification Sherloc (09022015). Collection method: clinical testing. Allele origin: germline.

Blueprint Genetics
Classification: Likely benign. Last evaluated: 2024-11-25. Review status: criteria provided, single submitter. Criteria: ACMG Guidelines, 2015. Collection method: clinical testing. Allele origin: germline.

Mayo Clinic Laboratories, Mayo Clinic
Classification: Benign. Last evaluated: 2019-12-12. Review status: criteria provided, single submitter. Criteria: ACMG Guidelines, 2015. Collection method: clinical testing. Allele origin: germline. Observed: 27 variant alleles.

GeneDx
Classification: Benign. Last evaluated: 2017-04-27. Review status: criteria provided, single submitter. Criteria: GeneDx Variant Classification (06012015). Collection method: clinical testing. Allele origin: germline. Affected: yes.
Comment: This variant is considered likely benign or benign based on one or more of the following criteria: it is a conservative change, it occurs at a poorly conserved position in the protein, it is predicted to be benign by multiple in silico algorithms, and/or has population frequency not consistent with disease.

Center for Pediatric Genomic Medicine, Children's Mercy Hospital and Clinics
Classification: Benign. Last evaluated: 2016-01-07. Review status: criteria provided, single submitter. Criteria: ACMG Guidelines, 2015. Collection method: clinical testing. Allele origin: germline.

Breakthrough Genomics
Classification: Benign. Review status: criteria provided, single submitter. Criteria: ACMG Guidelines, 2015. Collection method: not provided. Allele origin: germline. Inheritance: Autosomal recessive inheritance. Affected: yes.

NM_001478.5(B4GALNT1):c.1547C>T (p.Ala516Val)

Gene: B4GALNT1 (beta-1,4-N-acetyl-galactosaminyltransferase 1; minus strand). Cytogenetic location: 12q13.3.
Variant type: single nucleotide variant.
Coding change: c.1547C>T on transcript NM_001478.5 (MANE Select); coding-DNA position 1547, C replaced by T.
Protein change: p.Ala516Val; replaces alanine 516 with valine.
Molecular consequence: missense variant.
Genome position (GRCh38, 1-based): chr12:57,626,799, G>A on the plus strand (C>T on the coding strand, the complement: B4GALNT1 is on the minus strand). VCF-style: chr12-57626799-G-A. GRCh37 (hg19) VCF-style: chr12-58020582-G-A.
Other names: c.1382C>T, p.Ala461Val (NM_001276468.2); short protein forms A516V, A461V.
Identifiers: ClinVar variation 235331 (VCV000235331.41), dbSNP rs17454674, ClinGen allele CA6655407.